The following is an entry in ClinVar:

NM_021927.3(GUF1):c.1712A>G (p.His571Arg)

Gene: GUF1 (GTP binding elongation factor GUF1; plus strand). Cytogenetic location: 4p12.
Variant type: single nucleotide variant.
Coding change: c.1712A>G on transcript NM_021927.3 (MANE Select); coding-DNA position 1712, A replaced by G.
Protein change: p.His571Arg; replaces histidine 571 with arginine.
Molecular consequence: missense variant.
Genome position (GRCh38, 1-based): chr4:44,694,510, A>G. VCF-style: chr4-44694510-A-G. GRCh37 (hg19) VCF-style: chr4-44696527-A-G.
Other names: c.740A>G, p.His247Arg (NM_001345867.2, NM_001345869.2); c.1712A>G, p.His571Arg (NM_001345868.2); c.1712A>G (NM_021927.2); short protein forms H571R, H247R.
Identifiers: ClinVar variation 1517714 (VCV001517714.10), dbSNP rs375064992, ClinGen allele CA2905724.

ClinVar aggregate classification (germline): Uncertain significance. Review status: criteria provided, multiple submitters, no conflicts (2 of 4 stars). 2 submissions from 2 submitters: Uncertain significance (2). Last evaluated 2025-09-10.

Allele frequency attached by ClinVar (database versions not stated): gnomAD exomes 0.00001 and 0.00004; TOPMed 0.00001; gnomAD 0.00002; ExAC 0.00004.

Submissions (2):

Labcorp Genetics (formerly Invitae), Labcorp
Classification: Uncertain significance. Last evaluated: 2025-09-10. Review status: criteria provided, single submitter. Criteria: Invitae Variant Classification Sherloc (09022015). Collection method: clinical testing. Allele origin: germline.
Comment: This sequence change replaces histidine, which is basic and polar, with arginine, which is basic and polar, at codon 571 of the GUF1 protein (p.His571Arg). This variant is present in population databases (rs375064992, gnomAD 0.06%). This variant has not been reported in the literature in individuals affected with GUF1-related conditions. ClinVar contains an entry for this variant (Variation ID: 1517714). An algorithm developed to predict the effect of missense changes on protein structure and function (PolyPhen-2) suggests that this variant is likely to be disruptive. In summary, the available evidence is currently insufficient to determine the role of this variant in disease. Therefore, it has been classified as a Variant of Uncertain Significance.

Ambry Genetics
Classification: Uncertain significance. Last evaluated: 2024-09-08. Review status: criteria provided, single submitter. Criteria: Ambry Variant Classification Scheme 2023. Collection method: clinical testing. Allele origin: germline.